The following is an entry in ClinVar:

NM_001009944.3(PKD1):c.11156+1G>C

Genes: PKD1 (polycystin 1, transient receptor potential channel interacting; minus strand), PKD1-AS1 (PKD1 antisense RNA 1; plus strand). Cytogenetic location: 16p13.3.
Variant type: single nucleotide variant.
Coding change: c.11156+1G>C on transcript NM_001009944.3 (MANE Select); the canonical splice donor site of the intron after coding-DNA position 11156, G replaced by C.
Molecular consequence: splice donor variant. On other transcripts: non-coding transcript variant (1).
Genome position (GRCh38, 1-based): chr16:2,092,953, C>G on the plus strand (G>C on the coding strand, the complement: PKD1 is on the minus strand). VCF-style: chr16-2092953-C-G. GRCh37 (hg19) VCF-style: chr16-2142954-C-G.
Other names: c.11153+1G>C (NM_000296.4).
Identifiers: ClinVar variation 635438 (VCV000635438.3), dbSNP rs1596485727, ClinGen allele CA394336667.
Genomic context (GRCh38, chr16:2,092,953, plus strand): 5'-TGGCTGGACTAAAGGCAAAACTAAAGCCCAGAAGACAGACCAGTGCACCGGATGCCCGTA[C>G]CGCGTGATGGCCAGGAAGGCCCGGCTGTGCAGCTCCTGCTTGATGGCGCTTTGCAGACGG-3'

ClinVar aggregate classification (germline): Pathogenic. Review status: criteria provided, single submitter (1 of 4 stars). 2 submissions from 2 submitters: Pathogenic (1). 1 of the submissions does not count toward it. Last evaluated 2026-01-22.

Conditions:
Polycystic kidney disease, adult type (PKD1). Also called: Polycystic Kidney Disease 1, Autosomal Dominant; Polycystic kidney disease 1; Polycystic kidney disease 1, severe; Polycystic Kidney, Autosomal Dominant; POLYCYSTIC KIDNEY DISEASE, ADULT, TYPE I; POLYCYSTIC KIDNEY DISEASE 1 WITH OR WITHOUT POLYCYSTIC LIVER DISEASE. Identifiers: MedGen C3149841, MONDO:0008263, OMIM 173900.

Submissions (2):

Institute of Human Genetics, University of Leipzig Medical Center
Classification: Pathogenic for Polycystic kidney disease, adult type. Last evaluated: 2026-01-22. Review status: criteria provided, single submitter. Criteria: ACMG Guidelines, 2015. Collection method: clinical testing. Allele origin: unknown. Inheritance: Autosomal dominant inheritance. Affected: yes.
Comment: Criteria applied: PVS1,PS4_MOD,PM2,PP4

Bioscientia Institut fuer Medizinische Diagnostik GmbH, Sonic Healthcare
Classification: Pathogenic for Polycystic kidney disease, adult type. Last evaluated: 2018-10-31. Review status: no assertion criteria provided. Collection method: clinical testing. Allele origin: germline. Affected: yes. Not counted in ClinVar's aggregate classification.